The following is an entry in ClinVar:

NM_001378609.3(OTOGL):c.6484G>A (p.Val2162Met)

Gene: OTOGL (otogelin like; plus strand). Cytogenetic location: 12q21.31.
Variant type: single nucleotide variant.
Coding change: c.6484G>A on transcript NM_001378609.3 (MANE Select); coding-DNA position 6484, G replaced by A.
Protein change: p.Val2162Met; replaces valine 2162 with methionine.
Molecular consequence: missense variant.
Genome position (GRCh38, 1-based): chr12:80,367,713, G>A. VCF-style: chr12-80367713-G-A. GRCh37 (hg19) VCF-style: chr12-80761493-G-A.
Other names: c.6349G>A, p.Val2117Met (NM_001368062.3); c.6484G>A, p.Val2162Met (NM_001378610.3, NM_173591.7); short protein forms V2117M, V2162M.
Identifiers: ClinVar variation 1806710 (VCV001806710.3), dbSNP rs773927033, ClinGen allele CA6702045.

ClinVar aggregate classification (germline): Uncertain significance. Review status: criteria provided, multiple submitters, no conflicts (2 of 4 stars). 2 submissions from 2 submitters: Uncertain significance (2). Last evaluated 2023-05-26.

Conditions:
Inborn genetic diseases. Identifiers: MedGen C0950123, MeSH D030342.

Allele frequency attached by ClinVar (database versions not stated): ExAC 0.00003.
gnomAD v4.1: 4 of 1,435,406 alleles (0.00028%); highest among the groups gnomAD compares: East Asian, 0.01%; no homozygotes.

Submissions (2):

Ambry Genetics
Classification: Uncertain significance for Inborn genetic diseases. Last evaluated: 2023-05-26. Review status: criteria provided, single submitter. Criteria: Ambry Variant Classification Scheme 2023. Collection method: clinical testing. Allele origin: germline.

GeneDx
Classification: Uncertain significance. Last evaluated: 2022-06-22. Review status: criteria provided, single submitter. Criteria: GeneDx Variant Classification Process June 2021. Collection method: clinical testing. Allele origin: germline. Affected: yes.
Comment: In silico analysis supports that this missense variant does not alter protein structure/function; Has not been previously published as pathogenic or benign to our knowledge